The following is an entry in ClinVar:

ClinVar aggregate classification (germline): Pathogenic (1 of 4 stars; one submission).

Conditions:
T-B+ severe combined immunodeficiency due to JAK3 deficiency. Also called: SCID, T CELL-NEGATIVE, B CELL-POSITIVE, NK CELL-NEGATIVE; SCID, autosomal recessive, T-negative/B-positive type. Identifiers: Orphanet 35078, MedGen C1833275, MONDO:0010938, OMIM 600802.

Submission:

Labcorp Genetics (formerly Invitae), Labcorp
Classification: Pathogenic for T-B+ severe combined immunodeficiency due to JAK3 deficiency. Last evaluated: 2024-03-12. Review status: criteria provided, single submitter. Criteria: Invitae Variant Classification Sherloc (09022015). Collection method: clinical testing. Allele origin: germline.
Comment: This sequence change creates a premature translational stop signal (p.Glu1019Leufs*19) in the JAK3 gene. It is expected to result in an absent or disrupted protein product. Loss-of-function variants in JAK3 are known to be pathogenic (PMID: 7481768, 11668621). This variant is not present in population databases (gnomAD no frequency). This variant has not been reported in the literature in individuals affected with JAK3-related conditions. For these reasons, this variant has been classified as Pathogenic.

Literature cited by the submitters: PubMed 7481768; PubMed 11668621.

NM_000215.4(JAK3):c.3055_3065del (p.Glu1019fs)

Gene: JAK3 (Janus kinase 3; minus strand). Cytogenetic location: 19p13.11.
Variant type: Deletion.
Coding change: c.3055_3065del on transcript NM_000215.4 (MANE Select); coding-DNA positions 3055 to 3065, 11 bases deleted (GAGCTCTTCAC).
Protein change: p.Glu1019fs; shifts the reading frame from glutamic acid 1019.
Molecular consequence: frameshift variant.
Genome position (GRCh38, 1-based): chr19:17,830,534-17,830,544, GTGAAGAGCTC deleted on the plus strand (GAGCTCTTCAC on the coding strand, the reverse complement: JAK3 is on the minus strand); deleting any 11 consecutive bases within chr19:17,830,534-17,830,546 gives the same sequence; the c. name uses the placement nearest the transcript's 3' end. VCF-style (leftmost placement, unchanged base first): chr19-17830533-GGTGAAGAGCTC-G. GRCh37 (hg19) VCF-style: chr19-17941342-GGTGAAGAGCTC-G.
Other names: short protein forms E1019fs.
Identifiers: ClinVar variation 3642656 (VCV003642656.2).